The following is an entry in ClinVar:

NM_207037.2(TCF12):c.1907_1908del (p.Lys636fs)

Gene: TCF12 (transcription factor 12; plus strand). Cytogenetic location: 15q21.3.
Variant type: Deletion.
Coding change: c.1907_1908del on transcript NM_207037.2 (MANE Select); coding-DNA positions 1907 to 1908, 2 bases deleted (AA; older notation c.1907_1908delAA).
Protein change: p.Lys636fs; shifts the reading frame from lysine 636.
Molecular consequence: frameshift variant.
Genome position (GRCh38, 1-based): chr15:57,273,191-57,273,192, AA deleted; deleting any 2 consecutive bases within chr15:57,273,188-57,273,192 gives the same sequence; the c. name uses the placement nearest the transcript's 3' end. VCF-style (leftmost placement, unchanged base first): chr15-57273187-GAA-G. GRCh37 (hg19) VCF-style: chr15-57565385-GAA-G.
Other names: c.1397_1398del, p.Lys466fs (NM_001306219.3); c.1127_1128del, p.Lys376fs (NM_001306220.3); c.1907_1908del, p.Lys636fs (NM_001322151.2, NM_001322159.3, NM_001322162.2 and 1 more transcripts); c.1904_1905del, p.Lys635fs (NM_001322152.2, NM_001322161.2); c.1250_1251del, p.Lys417fs (NM_001322154.2); c.1733_1734del, p.Lys578fs (NM_001322156.2); c.1835_1836del, p.Lys612fs (NM_001322157.3, NM_001322165.2, NM_003205.4 and 1 more transcripts); c.1661_1662del, p.Lys554fs (NM_001322158.2); and 2 more; short protein forms K376fs, K417fs, K442fs, K466fs, K554fs, K578fs, K612fs, K624fs.
Identifiers: ClinVar variation 984943 (VCV000984943.1), dbSNP rs2061224553, ClinGen allele CA1139664011.

ClinVar aggregate classification (germline): Pathogenic (1 of 4 stars; one submission).

Conditions:
TCF12-related craniosynostosis. Also called: Craniosynostosis 3. Identifiers: Orphanet 35098, Orphanet 35099, Orphanet 672979, MedGen C3715051, MONDO:0014128, OMIM 615314.

Submission:

Rady Children's Institute for Genomic Medicine, Rady Children's Hospital San Diego
Classification: Pathogenic for CRANIOSYNOSTOSIS 3. Last evaluated: 2019-11-26. Review status: criteria provided, single submitter. Criteria: ACMG Guidelines, 2015. Collection method: clinical testing. Allele origin: germline. Affected: yes.
Comment: This frameshifting variant in exon 19 of 21 introduces a premature stop codon and is therefore predicted to result in loss of normal protein function. This variant has not been previously reported or functionally characterized in the literature to our knowledge. It is absent from the ExAC and gnomAD population databases and thus is presumed to be rare. Analysis of the parental samples was negative for the variant, indicating this variant likely occurred as a de novo event. Based on the available evidence, the c.1907_1908del (p.Lys636ThrfsTer17) variant is classified as Pathogenic.